The following is an entry in ClinVar:

ClinVar aggregate classification (germline): Uncertain significance. Review status: criteria provided, multiple submitters, no conflicts (2 of 4 stars). 2 submissions from 2 submitters: Uncertain significance (2). Last evaluated 2023-05-01.

Conditions:
Cardiovascular phenotype. Identifiers: MedGen CN230736.
Long QT syndrome (LQTS). Identifiers: MedGen C0023976, MeSH D008133, MONDO:0002442. Disease mechanism: loss of function. Inheritance: Various modes of inheritance.

Submissions (2):

Labcorp Genetics (formerly Invitae), Labcorp
Classification: Uncertain significance for Long QT syndrome. Last evaluated: 2023-05-01. Review status: criteria provided, single submitter. Criteria: Invitae Variant Classification Sherloc (09022015). Collection method: clinical testing. Allele origin: germline.
Comment: This sequence change replaces glycine, which is neutral and non-polar, with alanine, which is neutral and non-polar, at codon 307 of the SNTA1 protein (p.Gly307Ala). This variant is not present in population databases (gnomAD no frequency). This variant has not been reported in the literature in individuals affected with SNTA1-related conditions. ClinVar contains an entry for this variant (Variation ID: 1766200). Advanced modeling of protein sequence and biophysical properties (such as structural, functional, and spatial information, amino acid conservation, physicochemical variation, residue mobility, and thermodynamic stability) performed at Invitae indicates that this missense variant is not expected to disrupt SNTA1 protein function. In summary, the available evidence is currently insufficient to determine the role of this variant in disease. Therefore, it has been classified as a Variant of Uncertain Significance.

Ambry Genetics
Classification: Uncertain significance for Cardiovascular phenotype. Last evaluated: 2021-10-21. Review status: criteria provided, single submitter. Criteria: Ambry Variant Classification Scheme 2023. Collection method: clinical testing. Allele origin: germline.
Comment: The p.G307A variant (also known as c.920G>C), located in coding exon 5 of the SNTA1 gene, results from a G to C substitution at nucleotide position 920. The glycine at codon 307 is replaced by alanine, an amino acid with similar properties. This amino acid position is conserved. In addition, this alteration is predicted to be tolerated by in silico analysis. Since supporting evidence is limited at this time, the clinical significance of this alteration remains unclear.

NM_003098.3(SNTA1):c.920G>C (p.Gly307Ala)

Gene: SNTA1 (syntrophin alpha 1; minus strand). Cytogenetic location: 20q11.21.
Variant type: single nucleotide variant.
Coding change: c.920G>C on transcript NM_003098.3 (MANE Select); coding-DNA position 920, G replaced by C.
Protein change: p.Gly307Ala; replaces glycine 307 with alanine.
Molecular consequence: missense variant.
Genome position (GRCh38, 1-based): chr20:33,412,416, C>G on the plus strand (G>C on the coding strand, the complement: SNTA1 is on the minus strand). VCF-style: chr20-33412416-C-G. GRCh37 (hg19) VCF-style: chr20-32000222-C-G.
Other names: short protein forms G307A.
Identifiers: ClinVar variation 1766200 (VCV001766200.5), dbSNP rs2515497594, ClinGen allele CA408631306.